The following is an entry in ClinVar:

ClinVar aggregate classification (germline): Uncertain significance (1 of 4 stars; one submission).

Submission:

CeGaT Center for Human Genetics Tuebingen
Classification: Uncertain significance. Last evaluated: 2023-06-01. Review status: criteria provided, single submitter. Criteria: CeGaT Center For Human Genetics Tuebingen Variant Classification Criteria Version 2. Collection method: clinical testing. Allele origin: germline. Affected: yes. Observed: 1 variant allele.
Comment: DNMT1: PM2, PP3

NM_001130823.3(DNMT1):c.2894+4A>G

Gene: DNMT1 (DNA methyltransferase 1; minus strand). Cytogenetic location: 19p13.2.
Variant type: single nucleotide variant.
Coding change: c.2894+4A>G on transcript NM_001130823.3 (MANE Select); 4 bases into the intron after coding-DNA position 2894, A replaced by G.
Molecular consequence: intron variant.
Genome position (GRCh38, 1-based): chr19:10,146,347, T>C on the plus strand (A>G on the coding strand, the complement: DNMT1 is on the minus strand). VCF-style: chr19-10146347-T-C. GRCh37 (hg19) VCF-style: chr19-10257023-T-C.
Other names: c.2531+4A>G (NM_001318731.2); c.2846+4A>G (NM_001379.4, NM_001318730.2).
Identifiers: ClinVar variation 2649289 (VCV002649289.24), dbSNP rs2513798467, ClinGen allele CA2695198124.
Genomic context (GRCh38, chr19:10,146,347, plus strand): 5'-CCACAAAGCCAGCCTGGCTCAGCCTGGAGCGCCCTGGCCCCGGCTGCTCCGAGGGGGCAC[T>C]TACTTGAACGTGAAGGCCTCAGGGGGCAGGTACACACCATCACCAACTCGGTACAGGATG-3'